The following is an entry in ClinVar:

ClinVar aggregate classification (germline): Conflicting classifications of pathogenicity. Review status: criteria provided, conflicting classifications (1 of 4 stars). 7 submissions from 7 submitters: Uncertain significance (6); Likely benign (1). Last evaluated 2026-03-23.

Conditions:
Hypertrophic cardiomyopathy 12. Identifiers: MedGen C2677491, MONDO:0012804, OMIM 612124.
Dilated cardiomyopathy 1M (CMD1M). Identifiers: Orphanet 154, MedGen C1843808, MONDO:0011840, OMIM 607482.
Cardiovascular phenotype. Identifiers: MedGen CN230736.
Cardiomyopathy (CMYO). Also called: Cardiomyopathies. Identifiers: Orphanet 167848, MedGen C0878544, MONDO:0004994, HP:0001638. Inheritance: Various modes of inheritance.
CSRP3-related disorder. Also called: CSRP3-related condition; CSRP3-related disorders.

Allele frequency attached by ClinVar (database versions not stated): ExAC 0.00001; gnomAD 0.00001; gnomAD exomes 0.00001; TOPMed 0.00001.
gnomAD v4.1: 28 of 1,614,094 alleles (0.0017%); highest among the groups gnomAD compares: Non-Finnish European, 0.0023%; no homozygotes.

Submissions (7):

PreventionGenetics, part of Exact Sciences
Classification: Uncertain significance for CSRP3-related condition. Last evaluated: 2026-03-23. Review status: criteria provided, single submitter. Criteria: ACMG Guidelines, 2015. Collection method: clinical testing. Allele origin: germline.
Comment: The CSRP3 c.302C>T variant is predicted to result in the amino acid substitution p.Ser101Leu. To our knowledge, this variant has not been reported in the literature. This variant is reported in 0.0054% of alleles in individuals of East Asian descent in gnomAD. At this time, the clinical significance of this variant is uncertain due to the absence of conclusive functional and genetic evidence.

Labcorp Genetics (formerly Invitae), Labcorp
Classification: Uncertain significance for Hypertrophic cardiomyopathy 12; Dilated cardiomyopathy 1M. Last evaluated: 2025-12-24. Review status: criteria provided, single submitter. Criteria: Invitae Variant Classification Sherloc (09022015). Collection method: clinical testing. Allele origin: germline.
Comment: This sequence change replaces serine, which is neutral and polar, with leucine, which is neutral and non-polar, at codon 101 of the CSRP3 protein (p.Ser101Leu). This variant is present in population databases (rs746707959, gnomAD 0.006%). This variant has not been reported in the literature in individuals affected with CSRP3-related conditions. ClinVar contains an entry for this variant (Variation ID: 303954). An algorithm developed to predict the effect of missense changes on protein structure and function (PolyPhen-2) suggests that this variant is likely to be tolerated. In summary, the available evidence is currently insufficient to determine the role of this variant in disease. Therefore, it has been classified as a Variant of Uncertain Significance.

Ambry Genetics
Classification: Likely benign for Cardiovascular phenotype. Last evaluated: 2024-12-19. Review status: criteria provided, single submitter. Criteria: Ambry Variant Classification Scheme 2023. Collection method: clinical testing. Allele origin: germline.

Blueprint Genetics
Classification: Uncertain significance. Last evaluated: 2024-02-13. Review status: criteria provided, single submitter. Criteria: ACMG Guidelines, 2015. Collection method: clinical testing. Allele origin: germline.

GeneDx
Classification: Uncertain significance. Last evaluated: 2019-04-08. Review status: criteria provided, single submitter. Criteria: GeneDx Variant Classification Process June 2021. Collection method: clinical testing. Allele origin: germline. Affected: yes.
Comment: Has not been previously published as pathogenic or benign to our knowledge; In silico analysis, which includes protein predictors and evolutionary conservation, supports that this variant does not alter protein structure/function; Not observed at a significant frequency in large population cohorts (Lek et al., 2016); Reported in ClinVar but additional evidence is not available (ClinVar Variant ID 303954; Landrum et al., 2016)

CHEO Genetics Diagnostic Laboratory, Children's Hospital of Eastern Ontario
Classification: Uncertain significance for Cardiomyopathy. Last evaluated: 2018-03-09. Review status: criteria provided, single submitter. Criteria: ACMG Guidelines, 2015. Collection method: clinical testing. Allele origin: germline.

Illumina Laboratory Services, Illumina
Classification: Uncertain significance for Hypertrophic cardiomyopathy 12. Last evaluated: 2018-01-12. Review status: criteria provided, single submitter. Criteria: ICSL Variant Classification Criteria 13 December 2019. Collection method: clinical testing. Allele origin: germline.

NM_003476.5(CSRP3):c.302C>T (p.Ser101Leu)

Gene: CSRP3 (cysteine and glycine rich protein 3; minus strand). Cytogenetic location: 11p15.1.
Variant type: single nucleotide variant.
Coding change: c.302C>T on transcript NM_003476.5 (MANE Select); coding-DNA position 302, C replaced by T.
Protein change: p.Ser101Leu; replaces serine 101 with leucine.
Molecular consequence: missense variant. On other transcripts: nonsense (1).
Genome position (GRCh38, 1-based): chr11:19,186,328, G>A on the plus strand (C>T on the coding strand, the complement: CSRP3 is on the minus strand). VCF-style: chr11-19186328-G-A. GRCh37 (hg19) VCF-style: chr11-19207875-G-A.
Other names: c.133C>T, p.Gln45Ter (NM_001369404.1); c.302C>T (NM_003476.3); short protein forms S101L, Q45*.
Identifiers: ClinVar variation 303954 (VCV000303954.20), dbSNP rs746707959, ClinGen allele CA5916574.